The following is an entry in ClinVar:

NM_001447.3(FAT2):c.3026C>T (p.Ala1009Val)

Gene: FAT2 (FAT atypical cadherin 2; minus strand). Cytogenetic location: 5q33.1.
Variant type: single nucleotide variant.
Coding change: c.3026C>T on transcript NM_001447.3 (MANE Select); coding-DNA position 3026, C replaced by T.
Protein change: p.Ala1009Val; replaces alanine 1009 with valine.
Molecular consequence: missense variant.
Genome position (GRCh38, 1-based): chr5:151,565,906, G>A on the plus strand (C>T on the coding strand, the complement: FAT2 is on the minus strand). VCF-style: chr5-151565906-G-A. GRCh37 (hg19) VCF-style: chr5-150945467-G-A.
Other names: c.3026C>T (NM_001447.2); short protein forms A1009V.
Identifiers: ClinVar variation 2170641 (VCV002170641.5), dbSNP rs143411522, ClinGen allele CA3521938.

ClinVar aggregate classification (germline): Uncertain significance. Review status: criteria provided, multiple submitters, no conflicts (2 of 4 stars). 2 submissions from 2 submitters: Uncertain significance (2). Last evaluated 2025-07-31.

Allele frequency attached by ClinVar (database versions not stated): ESP Exome Variant Server 0.00008; gnomAD 0.00018; TOPMed 0.00023; 1000 Genomes Project 0.00040; 1000 Genomes Project 30x 0.00047.

Submissions (2):

Ambry Genetics
Classification: Uncertain significance. Last evaluated: 2025-07-31. Review status: criteria provided, single submitter. Criteria: Ambry Variant Classification Scheme 2023. Collection method: clinical testing. Allele origin: germline.

Labcorp Genetics (formerly Invitae), Labcorp
Classification: Uncertain significance. Last evaluated: 2025-06-23. Review status: criteria provided, single submitter. Criteria: Invitae Variant Classification Sherloc (09022015). Collection method: clinical testing. Allele origin: germline.
Comment: This sequence change replaces alanine, which is neutral and non-polar, with valine, which is neutral and non-polar, at codon 1009 of the FAT2 protein (p.Ala1009Val). This variant is present in population databases (rs143411522, gnomAD 0.07%), and has an allele count higher than expected for a pathogenic variant. This variant has not been reported in the literature in individuals affected with FAT2-related conditions. ClinVar contains an entry for this variant (Variation ID: 2170641). Invitae Evidence Modeling of protein sequence and biophysical properties (such as structural, functional, and spatial information, amino acid conservation, physicochemical variation, residue mobility, and thermodynamic stability) has been performed for this missense variant. However, the output from this modeling did not meet the statistical confidence thresholds required to predict the impact of this variant on FAT2 protein function. In summary, the available evidence is currently insufficient to determine the role of this variant in disease. Therefore, it has been classified as a Variant of Uncertain Significance.